The following is an entry in ClinVar:

NM_003500.4(ACOX2):c.1849C>T (p.Arg617Trp)

Gene: ACOX2 (acyl-CoA oxidase 2; minus strand). Cytogenetic location: 3p14.3.
Variant type: single nucleotide variant.
Coding change: c.1849C>T on transcript NM_003500.4 (MANE Select); coding-DNA position 1849, C replaced by T.
Protein change: p.Arg617Trp; replaces arginine 617 with tryptophan.
Molecular consequence: missense variant.
Genome position (GRCh38, 1-based): chr3:58,517,207, G>A on the plus strand (C>T on the coding strand, the complement: ACOX2 is on the minus strand). VCF-style: chr3-58517207-G-A. GRCh37 (hg19) VCF-style: chr3-58502934-G-A.
Other names: short protein forms R617W.
Identifiers: ClinVar variation 3351321 (VCV003351321.3).

ClinVar aggregate classification (germline): Uncertain significance. Review status: criteria provided, single submitter (1 of 4 stars). 2 submissions from 2 submitters: Uncertain significance (1). 1 of the submissions does not count toward it. Last evaluated 2024-12-26.

Conditions:
ACOX2-related disorder. Also called: ACOX2-related condition.

gnomAD v4.1: 32 of 1,613,560 alleles (0.002%); highest among the groups gnomAD compares: African/African-American, 0.013%; no homozygotes.

Submissions (2):

Labcorp Genetics (formerly Invitae), Labcorp
Classification: Uncertain significance. Last evaluated: 2024-12-26. Review status: criteria provided, single submitter. Criteria: Invitae Variant Classification Sherloc (09022015). Collection method: clinical testing. Allele origin: germline.
Comment: This sequence change replaces arginine, which is basic and polar, with tryptophan, which is neutral and slightly polar, at codon 617 of the ACOX2 protein (p.Arg617Trp). This variant is present in population databases (rs761720501, gnomAD 0.02%). This variant has not been reported in the literature in individuals affected with ACOX2-related conditions. An algorithm developed to predict the effect of missense changes on protein structure and function (PolyPhen-2) suggests that this variant is likely to be disruptive. In summary, the available evidence is currently insufficient to determine the role of this variant in disease. Therefore, it has been classified as a Variant of Uncertain Significance.

PreventionGenetics, part of Exact Sciences
Classification: Uncertain significance for ACOX2-related condition. Last evaluated: 2024-06-22. Review status: no assertion criteria provided. Collection method: clinical testing. Allele origin: germline. Not counted in ClinVar's aggregate classification.
Comment: The ACOX2 c.1849C>T variant is predicted to result in the amino acid substitution p.Arg617Trp. To our knowledge, this variant has not been reported in the literature. This variant is reported in 0.016% of alleles in individuals of African descent in gnomAD. At this time, the clinical significance of this variant is uncertain due to the absence of conclusive functional and genetic evidence.